The following is an entry in ClinVar:

NM_003664.5(AP3B1):c.237_238del (p.Phe80fs)

Gene: AP3B1 (adaptor related protein complex 3 subunit beta 1; minus strand). Cytogenetic location: 5q14.1.
Variant type: Deletion.
Coding change: c.237_238del on transcript NM_003664.5 (MANE Select); coding-DNA positions 237 to 238, 2 bases deleted (GT; older notation c.237_238delGT).
Protein change: p.Phe80fs; shifts the reading frame from phenylalanine 80.
Molecular consequence: frameshift variant.
Genome position (GRCh38, 1-based): chr5:78,240,903-78,240,904, AC deleted on the plus strand (GT on the coding strand, the reverse complement: AP3B1 is on the minus strand); deleting any 2 consecutive bases within chr5:78,240,903-78,240,905 gives the same sequence; the c. name uses the placement nearest the transcript's 3' end. VCF-style (leftmost placement, unchanged base first): chr5-78240902-AAC-A. GRCh37 (hg19) VCF-style: chr5-77536726-AAC-A.
Other names: c.90_91del, p.Phe31fs (NM_001271769.2); short protein forms F31fs, F80fs.
Identifiers: ClinVar variation 1416408 (VCV001416408.6), dbSNP rs2112518616, ClinGen allele CA2573139968.

ClinVar aggregate classification (germline): Pathogenic (1 of 4 stars; one submission).

Conditions:
Hermansky-Pudlak syndrome 2 (HPS2). Also called: Platelet defects and oculocutaneous albinism. Identifiers: Orphanet 183678, Orphanet 79430, MedGen C1842362, MONDO:0011997, OMIM 608233.

Submission:

Labcorp Genetics (formerly Invitae), Labcorp
Classification: Pathogenic for Hermansky-Pudlak syndrome 2. Last evaluated: 2024-10-15. Review status: criteria provided, single submitter. Criteria: Invitae Variant Classification Sherloc (09022015). Collection method: clinical testing. Allele origin: germline.
Comment: This sequence change creates a premature translational stop signal (p.Phe80Serfs*10) in the AP3B1 gene. It is expected to result in an absent or disrupted protein product. Loss-of-function variants in AP3B1 are known to be pathogenic (PMID: 16507770, 23403622). This variant is not present in population databases (gnomAD no frequency). This variant has not been reported in the literature in individuals affected with AP3B1-related conditions. ClinVar contains an entry for this variant (Variation ID: 1416408). For these reasons, this variant has been classified as Pathogenic.

Literature cited by the submitters: PubMed 16507770; PubMed 23403622.